The following is an entry in ClinVar:

ClinVar aggregate classification (germline): Likely benign. Review status: criteria provided, multiple submitters, no conflicts (2 of 4 stars). 3 submissions from 3 submitters: Likely benign (2). 1 of the submissions does not count toward it. Last evaluated 2026-01-26.

Conditions:
MAGI2-related disorder. Also called: MAGI2-related condition.

Allele frequency attached by ClinVar (database versions not stated): ExAC 0.00004; ESP Exome Variant Server 0.00008; gnomAD 0.00009; TOPMed 0.00010.
gnomAD v4.1: 121 of 1,609,388 alleles (0.0075%); highest among the groups gnomAD compares: Middle Eastern, 0.033%; no homozygotes.

Submissions (3):

Labcorp Genetics (formerly Invitae), Labcorp
Classification: Likely benign. Last evaluated: 2026-01-26. Review status: criteria provided, single submitter. Criteria: Invitae Variant Classification Sherloc (09022015). Collection method: clinical testing. Allele origin: germline.

Blueprint Genetics
Classification: Likely benign. Last evaluated: 2021-04-13. Review status: criteria provided, single submitter. Criteria: ACMG Guidelines, 2015. Collection method: clinical testing. Allele origin: germline.

PreventionGenetics, part of Exact Sciences
Classification: Likely benign for MAGI2-related condition. Last evaluated: 2022-12-19. Review status: no assertion criteria provided. Collection method: clinical testing. Allele origin: germline. Not counted in ClinVar's aggregate classification.
Comment: This variant is classified as likely benign based on ACMG/AMP sequence variant interpretation guidelines (Richards et al. 2015 PMID: 25741868, with internal and published modifications).

NM_012301.4(MAGI2):c.2238C>T (p.Tyr746=)

Gene: MAGI2 (membrane associated guanylate kinase, WW and PDZ domain containing 2; minus strand). Cytogenetic location: 7q21.11.
Variant type: single nucleotide variant.
Coding change: c.2238C>T on transcript NM_012301.4 (MANE Select); coding-DNA position 2238, C replaced by T.
Protein change: p.Tyr746=; no amino-acid change (tyrosine 746 retained).
Molecular consequence: synonymous variant.
Genome position (GRCh38, 1-based): chr7:78,194,905, G>A on the plus strand (C>T on the coding strand, the complement: MAGI2 is on the minus strand). VCF-style: chr7-78194905-G-A. GRCh37 (hg19) VCF-style: chr7-77824222-G-A.
Other names: c.2238C>T, p.Tyr746= (NM_001301128.2); c.2238C>T (NM_012301.3).
Identifiers: ClinVar variation 2882244 (VCV002882244.6), dbSNP rs368616547, ClinGen allele CA4313849.